The following is an entry in ClinVar:

ClinVar aggregate classification (germline): Uncertain significance. Review status: criteria provided, multiple submitters, no conflicts (2 of 4 stars). 2 submissions from 2 submitters: Uncertain significance (2). Last evaluated 2025-10-23.

Conditions:
Hereditary breast ovarian cancer syndrome. Also called: Hereditary breast and/or ovarian cancer syndrome; BRCA1- and BRCA2-Associated Hereditary Breast and Ovarian Cancer; Hereditary breast and ovarian cancer syndrome; Hereditary breast and ovarian cancer; Hereditary breast and ovarian cancer syndrome (HBOC); Breast and ovarian cancer. Identifiers: Orphanet 145, MedGen C0677776, MeSH D061325, MONDO:0003582. Disease mechanism: loss of function.
Hereditary cancer-predisposing syndrome. Also called: Neoplastic Syndromes, Hereditary; Tumor predisposition; Hereditary Cancer Syndrome; Hereditary neoplastic syndrome. Identifiers: Orphanet 140162, MedGen C0027672, MeSH D009386, MONDO:0015356.

Submissions (2):

Ambry Genetics
Classification: Uncertain significance for Hereditary cancer-predisposing syndrome. Last evaluated: 2025-10-23. Review status: criteria provided, single submitter. Criteria: Ambry Variant Classification Scheme 2023. Collection method: clinical testing. Allele origin: germline.
Comment: The c.1910-3T>G intronic variant results from a T to G substitution 3 nucleotides upstream from coding exon 10 in the BRCA2 gene. This nucleotide position is highly conserved in available vertebrate species. In silico splice site analysis predicts that this alteration may weaken the native splice acceptor site. RNA studies have demonstrated that this alteration results in an incomplete splice defect; the clinical impact of this abnormal splicing is unknown at this time (Ambry internal data). Based on the available evidence, the clinical significance of this variant remains unclear.

Labcorp Genetics (formerly Invitae), Labcorp
Classification: Uncertain significance for Hereditary breast ovarian cancer syndrome. Last evaluated: 2023-05-27. Review status: criteria provided, single submitter. Criteria: Invitae Variant Classification Sherloc (09022015). Collection method: clinical testing. Allele origin: germline.
Comment: This variant is not present in population databases (gnomAD no frequency). This sequence change falls in intron 10 of the BRCA2 gene. It does not directly change the encoded amino acid sequence of the BRCA2 protein. It affects a nucleotide within the consensus splice site. In summary, the available evidence is currently insufficient to determine the role of this variant in disease. Therefore, it has been classified as a Variant of Uncertain Significance. Variants that disrupt the consensus splice site are a relatively common cause of aberrant splicing (PMID: 17576681, 9536098). Algorithms developed to predict the effect of sequence changes on RNA splicing suggest that this variant may disrupt the consensus splice site. ClinVar contains an entry for this variant (Variation ID: 820323). This variant has not been reported in the literature in individuals affected with BRCA2-related conditions.

Literature cited by the submitters: PubMed 29280214 (cited by Ambry Genetics); PubMed 17576681 (cited by Labcorp Genetics (formerly Invitae), Labcorp); PubMed 9536098 (cited by Labcorp Genetics (formerly Invitae), Labcorp).

NM_000059.4(BRCA2):c.1910-3T>G

Gene: BRCA2 (BRCA2 DNA repair associated; plus strand). Cytogenetic location: 13q13.1.
Variant type: single nucleotide variant.
Coding change: c.1910-3T>G on transcript NM_000059.4 (MANE Select); 3 bases into the intron before coding-DNA position 1910, T replaced by G.
Molecular consequence: intron variant.
Genome position (GRCh38, 1-based): chr13:32,336,262, T>G. VCF-style: chr13-32336262-T-G. GRCh37 (hg19) VCF-style: chr13-32910399-T-G.
Identifiers: ClinVar variation 820323 (VCV000820323.8), dbSNP rs1593895762, ClinGen allele CA915946977.